The following is an entry in ClinVar:

NM_001161403.3(LIMS2):c.221C>T (p.Pro74Leu)

Gene: LIMS2 (LIM zinc finger domain containing 2; minus strand). Cytogenetic location: 2q14.3.
Variant type: single nucleotide variant.
Coding change: c.221C>T on transcript NM_001161403.3 (MANE Select); coding-DNA position 221, C replaced by T.
Protein change: p.Pro74Leu; replaces proline 74 with leucine.
Molecular consequence: missense variant.
Genome position (GRCh38, 1-based): chr2:127,654,847, G>A on the plus strand (C>T on the coding strand, the complement: LIMS2 is on the minus strand). VCF-style: chr2-127654847-G-A. GRCh37 (hg19) VCF-style: chr2-128412421-G-A.
Other names: c.287C>T, p.Pro96Leu (NM_001136037.4); c.206C>T, p.Pro69Leu (NM_001161404.2); c.293C>T, p.Pro98Leu (NM_017980.5); short protein forms P69L, P74L, P96L, P98L.
Identifiers: ClinVar variation 2420149 (VCV002420149.8), dbSNP rs201167843, ClinGen allele CA1863514.

ClinVar aggregate classification (germline): Uncertain significance (1 of 4 stars; one submission).

Conditions:
Autosomal recessive limb-girdle muscular dystrophy type 2W (MDRCMTT). Also called: Muscular dystrophy, limb-girdle, type 2W; Muscular dystrophy, autosomal recessive, with cardiomyopathy and triangular tongue. Identifiers: MedGen C4225192, MONDO:0014788, OMIM 616827.

Allele frequency attached by ClinVar (database versions not stated): TOPMed 0.00004; gnomAD 0.00005; ExAC 0.00011; 1000 Genomes Project 0.00020; 1000 Genomes Project 30x 0.00031.
gnomAD v4.1: 63 of 1,614,162 alleles (0.0039%); highest among the groups gnomAD compares: East Asian, 0.087%; no homozygotes.

Submission:

Labcorp Genetics (formerly Invitae), Labcorp
Classification: Uncertain significance for Autosomal recessive limb-girdle muscular dystrophy type 2W. Last evaluated: 2025-06-09. Review status: criteria provided, single submitter. Criteria: Invitae Variant Classification Sherloc (09022015). Collection method: clinical testing. Allele origin: germline.
Comment: This sequence change replaces proline, which is neutral and non-polar, with leucine, which is neutral and non-polar, at codon 96 of the LIMS2 protein (p.Pro96Leu). This variant is present in population databases (rs201167843, gnomAD 0.1%), and has an allele count higher than expected for a pathogenic variant. This variant has not been reported in the literature in individuals affected with LIMS2-related conditions. ClinVar contains an entry for this variant (Variation ID: 2420149). Invitae Evidence Modeling of protein sequence and biophysical properties (such as structural, functional, and spatial information, amino acid conservation, physicochemical variation, residue mobility, and thermodynamic stability) indicates that this missense variant is expected to disrupt LIMS2 protein function with a positive predictive value of 80%. In summary, the available evidence is currently insufficient to determine the role of this variant in disease. Therefore, it has been classified as a Variant of Uncertain Significance.